The following is an entry in ClinVar:

ClinVar aggregate classification (germline): Conflicting classifications of pathogenicity. Review status: criteria provided, conflicting classifications (1 of 4 stars). 2 submissions from 2 submitters: Uncertain significance (1); Likely benign (1). Last evaluated 2026-04-01.

Conditions:
Developmental and epileptic encephalopathy, 27 (DEE27). Also called: GRIN2B-Related Neurodevelopmental Disorder; Epileptic encephalopathy, early infantile, 27. Identifiers: Orphanet 3451, MedGen C4015316, MONDO:0014505, OMIM 616139.
Intellectual developmental disorder, autosomal dominant 6, with or without seizures. Also called: Intellectual disability, autosomal dominant 6; GRIN2B-related developmental delay, intellectual disability and autism spectrum disorder. Identifiers: Orphanet 589547, MedGen C3151411, MONDO:0013509, OMIM 613970.

Submissions (2):

CeGaT Center for Human Genetics Tuebingen
Classification: Likely benign. Last evaluated: 2026-04-01. Review status: criteria provided, single submitter. Criteria: CeGaT Center For Human Genetics Tuebingen Variant Classification Criteria Version 2. Collection method: clinical testing. Allele origin: germline. Affected: yes. Observed: 1 variant allele.
Comment: GRIN2B: PM4:Supporting, BS2

Labcorp Genetics (formerly Invitae), Labcorp
Classification: Uncertain significance for Developmental and epileptic encephalopathy, 27; Intellectual developmental disorder, autosomal dominant 6, with or without seizures. Last evaluated: 2022-02-04. Review status: criteria provided, single submitter. Criteria: Invitae Variant Classification Sherloc (09022015). Collection method: clinical testing. Allele origin: germline.
Comment: This variant, c.4096_4098del, results in the deletion of 1 amino acid(s) of the GRIN2B protein (p.Asn1366del), but otherwise preserves the integrity of the reading frame. In summary, the available evidence is currently insufficient to determine the role of this variant in disease. Therefore, it has been classified as a Variant of Uncertain Significance. Experimental studies and prediction algorithms are not available or were not evaluated, and the functional significance of this variant is currently unknown. This variant has not been reported in the literature in individuals affected with GRIN2B-related conditions. This variant is not present in population databases (gnomAD no frequency).

NM_000834.5(GRIN2B):c.4093AAC[1] (p.Asn1366del)

Gene: GRIN2B (glutamate ionotropic receptor NMDA type subunit 2B; minus strand). Cytogenetic location: 12p13.1.
Variant type: Microsatellite.
Coding change: c.4093AAC[1] on transcript NM_000834.5 (MANE Select); one copy of the 3-base unit AAC starting at c.4093; the reference has two copies in a row; one copy, 3 bases deleted.
Protein change: p.Asn1366del; deletes asparagine 1366.
Molecular consequence: inframe deletion.
Genome position (GRCh38, 1-based): chr12:13,563,140-13,563,142, GTT deleted on the plus strand (AAC on the coding strand, the reverse complement: GRIN2B is on the minus strand); deleting any 3 consecutive bases within chr12:13,563,140-13,563,147 gives the same sequence; the position shown is the placement nearest the transcript's 3' end. VCF-style (leftmost placement, unchanged base first): chr12-13563139-GGTT-G. GRCh37 (hg19) VCF-style: chr12-13716073-GGTT-G.
Other names: short protein forms N1366del.
Identifiers: ClinVar variation 1016454 (VCV001016454.11), dbSNP rs1948572064, ClinGen allele CA944930485.